The following is an entry in ClinVar:

ClinVar aggregate classification (germline): Uncertain significance (1 of 4 stars; one submission).

Submission:

Labcorp Genetics (formerly Invitae), Labcorp
Classification: Uncertain significance. Last evaluated: 2022-03-09. Review status: criteria provided, single submitter. Criteria: Invitae Variant Classification Sherloc (09022015). Collection method: clinical testing. Allele origin: germline.
Comment: This sequence change falls in intron 35 of the USH2A gene. It does not directly change the encoded amino acid sequence of the USH2A protein. This variant is not present in population databases (gnomAD no frequency). This variant has not been reported in the literature in individuals affected with USH2A-related conditions. Algorithms developed to predict the effect of sequence changes on RNA splicing suggest that this variant may disrupt the consensus splice site. In summary, the available evidence is currently insufficient to determine the role of this variant in disease. Therefore, it has been classified as a Variant of Uncertain Significance.

NM_206933.4(USH2A):c.6806-31_6806-20del

Gene: USH2A (usherin; minus strand). Cytogenetic location: 1q41.
Variant type: Deletion.
Coding change: c.6806-31_6806-20del on transcript NM_206933.4 (MANE Select); 31 bases into the intron before coding-DNA position 6806 through 20 bases into the intron before coding-DNA position 6806, 12 bases deleted (TCATACTGAAAG).
Molecular consequence: intron variant.
Genome position (GRCh38, 1-based): chr1:215,970,796-215,970,807, CTTTCAGTATGA deleted on the plus strand (TCATACTGAAAG on the coding strand, the reverse complement: USH2A is on the minus strand); deleting any 12 consecutive bases within chr1:215,970,796-215,970,809 gives the same sequence; the c. name uses the placement nearest the transcript's 3' end. VCF-style (leftmost placement, unchanged base first): chr1-215970795-CCTTTCAGTATGA-C. GRCh37 (hg19) VCF-style: chr1-216144137-CCTTTCAGTATGA-C.
Identifiers: ClinVar variation 1933880 (VCV001933880.5), dbSNP rs2527565176, ClinGen allele CA2580062089.